The following is an entry in ClinVar:

NM_015175.3(NBEAL2):c.7091G>A (p.Ser2364Asn)

Gene: NBEAL2 (neurobeachin like 2; plus strand). Cytogenetic location: 3p21.31.
Variant type: single nucleotide variant.
Coding change: c.7091G>A on transcript NM_015175.3 (MANE Select); coding-DNA position 7091, G replaced by A.
Protein change: p.Ser2364Asn; replaces serine 2364 with asparagine.
Molecular consequence: missense variant.
Genome position (GRCh38, 1-based): chr3:47,006,406, G>A. VCF-style: chr3-47006406-G-A. GRCh37 (hg19) VCF-style: chr3-47047896-G-A.
Other names: p.Ser2364Asn; c.6989G>A, p.Ser2330Asn (NM_001365116.2); c.7091G>A (NM_015175.1); short protein forms S2330N, S2364N.
Identifiers: ClinVar variation 3379460 (VCV003379460.2).

ClinVar aggregate classification (germline): Uncertain significance. Review status: criteria provided, multiple submitters, no conflicts (2 of 4 stars). 2 submissions from 2 submitters: Uncertain significance (2). Last evaluated 2025-02-07.

Conditions:
Inborn genetic diseases. Identifiers: MedGen C0950123, MeSH D030342.

gnomAD v4.1: 8 of 1,593,898 alleles (0.0005%); highest among the groups gnomAD compares: Non-Finnish European, 0.0006%; no homozygotes.

Submissions (2):

Ambry Genetics
Classification: Uncertain significance for Inborn genetic diseases. Last evaluated: 2025-02-07. Review status: criteria provided, single submitter. Criteria: Ambry Variant Classification Scheme 2023. Collection method: clinical testing. Allele origin: germline.

Mayo Clinic Laboratories, Mayo Clinic
Classification: Uncertain significance. Last evaluated: 2024-01-11. Review status: criteria provided, single submitter. Criteria: ACMG Guidelines, 2015. Collection method: clinical testing. Allele origin: germline. Observed: 1 variant allele.
Comment: BP4, PM1_supporting, PM2_moderate